The following is an entry in ClinVar:

NM_000455.5(STK11):c.1129G>C (p.Ala377Pro)

Gene: STK11 (serine/threonine kinase 11; plus strand). Cytogenetic location: 19p13.3.
Variant type: single nucleotide variant.
Coding change: c.1129G>C on transcript NM_000455.5 (MANE Select); coding-DNA position 1129, G replaced by C.
Protein change: p.Ala377Pro; replaces alanine 377 with proline.
Molecular consequence: missense variant.
Genome position (GRCh38, 1-based): chr19:1,226,474, G>C. VCF-style: chr19-1226474-G-C. GRCh37 (hg19) VCF-style: chr19-1226473-G-C.
Other names: short protein forms A377P.
Identifiers: ClinVar variation 237789 (VCV000237789.25), dbSNP rs768870802, ClinGen allele CA045509.

ClinVar aggregate classification (germline): Conflicting classifications of pathogenicity. Review status: criteria provided, conflicting classifications (1 of 4 stars). 7 submissions from 7 submitters: Uncertain significance (5); Benign (1); Likely benign (1). Last evaluated 2025-12-01.

Conditions:
Hereditary cancer-predisposing syndrome. Also called: Tumor predisposition; Hereditary Cancer Syndrome; Hereditary neoplastic syndrome; Neoplastic Syndromes, Hereditary. Identifiers: Orphanet 140162, MedGen C0027672, MeSH D009386, MONDO:0015356.
Peutz-Jeghers syndrome (PJS). Also called: POLYPOSIS, HAMARTOMATOUS INTESTINAL; POLYPS-AND-SPOTS SYNDROME; Peutz-Jeghers polyposis; Periorificial lentiginosis syndrome. Identifiers: Orphanet 2869, MedGen C0031269, MeSH D010580, MONDO:0008280, OMIM 175200.

Allele frequency attached by ClinVar (database versions not stated): ExAC 0.00002.
gnomAD v4.1: 6 of 1,611,304 alleles (0.00037%); highest among the groups gnomAD compares: South Asian, 0.0011%; no homozygotes.

Submissions (7):

Labcorp Genetics (formerly Invitae), Labcorp
Classification: Benign for Peutz-Jeghers syndrome. Last evaluated: 2025-12-01. Review status: criteria provided, single submitter. Criteria: Invitae Variant Classification Sherloc (09022015). Collection method: clinical testing. Allele origin: germline.

Color Diagnostics, LLC DBA Color Health
Classification: Uncertain significance for Hereditary cancer-predisposing syndrome. Last evaluated: 2024-03-06. Review status: criteria provided, single submitter. Criteria: ACMG Guidelines, 2015. Collection method: clinical testing. Allele origin: germline.
Comment: This missense variant replaces alanine with proline at codon 377 of the STK11 protein. Computational prediction suggests that this variant may not impact protein structure and function (internally defined REVEL score threshold <= 0.5, PMID: 27666373). To our knowledge, functional studies have not been reported for this variant. This variant has not been reported in individuals affected with hereditary cancer in the literature. This variant has been identified in 2/241710 chromosomes in the general population by the Genome Aggregation Database (gnomAD). The available evidence is insufficient to determine the role of this variant in disease conclusively. Therefore, this variant is classified as a Variant of Uncertain Significance.

All of Us Research Program, National Institutes of Health
Classification: Uncertain significance for Peutz-Jeghers syndrome. Last evaluated: 2024-01-11. Review status: criteria provided, single submitter. Criteria: ACMG Guidelines, 2015. Collection method: clinical testing. Allele origin: germline. Inheritance: Autosomal dominant inheritance. Observed: 1 variant allele, 1 heterozygote.
Comment: This missense variant replaces alanine with proline at codon 377 of the STK11 protein. Computational prediction suggests that this variant may not impact protein structure and function (internally defined REVEL score threshold <= 0.5, PMID: 27666373). To our knowledge, functional studies have not been reported for this variant. This variant has not been reported in individuals affected with hereditary cancer in the literature. This variant has been identified in 2/241710 chromosomes in the general population by the Genome Aggregation Database (gnomAD). The available evidence is insufficient to determine the role of this variant in disease conclusively. Therefore, this variant is classified as a Variant of Uncertain Significance.

This study involves interpretation of variants in research participants for the purpose of population health screening. Participant phenotype was not available at the time of variant classification. Additional details can be found in publication PMID: 35346344, PMCID: PMC8962531

GeneDx
Classification: Uncertain significance. Last evaluated: 2022-10-04. Review status: criteria provided, single submitter. Criteria: GeneDx Variant Classification Process June 2021. Collection method: clinical testing. Allele origin: germline. Affected: yes.
Comment: Not observed at significant frequency in large population cohorts (gnomAD); In silico analysis supports that this missense variant does not alter protein structure/function; Has not been previously published as pathogenic or benign to our knowledge; This variant is associated with the following publications: (PMID: 28900777)

Ambry Genetics
Classification: Likely benign for Hereditary cancer-predisposing syndrome. Last evaluated: 2022-05-24. Review status: criteria provided, single submitter. Criteria: Ambry Variant Classification Scheme 2023. Collection method: clinical testing. Allele origin: germline.

Sema4
Classification: Uncertain significance for Hereditary cancer-predisposing syndrome. Last evaluated: 2022-03-13. Review status: criteria provided, single submitter. Criteria: Sema4 Curation Guidelines. Collection method: curation. Allele origin: germline.
Comment: The STK11 c.1129G>C (p.A377P) variant has not been reported in the literature to our knowledge. This variant was observed in 2/107918 chromosomes in the Non-Finnish European population according to the Genome Aggregation Database (PMID: 32461654). The variant has been reported in ClinVar (Variation ID 237789). In silico tools suggest the impact of the variant on protein function is benign, though these predictions have not been confirmed by functional studies. The evidence is insufficient to meet ACMG/AMP criteria for classifying the variant as benign or pathogenic. Thus, the clinical significance of this variant is currently uncertain.

Genome-Nilou Lab
Classification: Uncertain significance for Peutz-Jeghers syndrome. Last evaluated: 2021-07-15. Review status: criteria provided, single submitter. Criteria: ACMG Guidelines, 2015. Collection method: clinical testing. Allele origin: germline. Affected: no.